The following is an entry in ClinVar:

ClinVar aggregate classification (germline): Uncertain significance (1 of 4 stars; one submission).

Allele frequency attached by ClinVar (database versions not stated): gnomAD 0.00001; TOPMed 0.00001.
gnomAD v4.1: 3 of 1,613,776 alleles (0.00019%); highest among the groups gnomAD compares: Admixed American, 0.0017%; no homozygotes.

Submission:

Labcorp Genetics (formerly Invitae), Labcorp
Classification: Uncertain significance. Last evaluated: 2023-03-01. Review status: criteria provided, single submitter. Criteria: Invitae Variant Classification Sherloc (09022015). Collection method: clinical testing. Allele origin: germline.
Comment: In summary, the available evidence is currently insufficient to determine the role of this variant in disease. Therefore, it has been classified as a Variant of Uncertain Significance. Advanced modeling of protein sequence and biophysical properties (such as structural, functional, and spatial information, amino acid conservation, physicochemical variation, residue mobility, and thermodynamic stability) performed at Invitae indicates that this missense variant is not expected to disrupt FREM1 protein function. This variant has not been reported in the literature in individuals affected with FREM1-related conditions. This variant is not present in population databases (gnomAD no frequency). This sequence change replaces histidine, which is basic and polar, with arginine, which is basic and polar, at codon 936 of the FREM1 protein (p.His936Arg).

NM_001379081.2(FREM1):c.2807A>G (p.His936Arg)

Genes: FREM1 (FRAS1 related extracellular matrix 1; minus strand), LOC126860582 (P300/CBP strongly-dependent group 1 enhancer GRCh37_chr9:14812530-14813729; plus strand). Cytogenetic location: 9p22.3.
Variant type: single nucleotide variant.
Coding change: c.2807A>G on transcript NM_001379081.2 (MANE Select); coding-DNA position 2807, A replaced by G.
Protein change: p.His936Arg; replaces histidine 936 with arginine.
Molecular consequence: missense variant. On other transcripts: non-coding transcript variant (2).
Genome position (GRCh38, 1-based): chr9:14,812,898, T>C on the plus strand (A>G on the coding strand, the complement: FREM1 is on the minus strand). VCF-style: chr9-14812898-T-C. GRCh37 (hg19) VCF-style: chr9-14812896-T-C.
Other names: c.2807A>G, p.His936Arg (NM_144966.7); short protein forms H936R.
Identifiers: ClinVar variation 2726514 (VCV002726514.3), dbSNP rs1819655510, ClinGen allele CA372953566.